The following is an entry in ClinVar:

ClinVar aggregate classification (germline): Benign. Review status: criteria provided, multiple submitters, no conflicts (2 of 4 stars). 3 submissions from 3 submitters: Benign (3). Last evaluated 2024-07-31.

Allele frequency attached by ClinVar (database versions not stated): gnomAD 0.23647 and 0.24969; TOPMed 0.23845; 1000 Genomes Project 30x 0.29747; 1000 Genomes Project 0.30132.
gnomAD v4.1: 219,409 of 737,032 alleles (30%); highest among the groups gnomAD compares: South Asian, 53%; 36,581 homozygotes.

Submissions (3):

Unidad de Genómica Garrahan, Hospital de Pediatría Garrahan
Classification: Benign. Last evaluated: 2024-07-31. Review status: criteria provided, single submitter. Criteria: ACMG Guidelines, 2015. Collection method: clinical testing. Allele origin: germline. Affected: no. Observed: 26 variant alleles.
Comment: This variant is classified as Benign based on local population frequency. This variant was detected in 28% of patients studied in a panel designed for Epileptic and Developmental Encephalopathy, Progressive Myoclonus Epilepsy and Abnormal Movements and Neurodegeneration with brain iron accumulation. Number of patients: 26. Only high quality variants are reported.

GeneDx
Classification: Benign. Last evaluated: 2021-05-11. Review status: criteria provided, single submitter. Criteria: GeneDx Variant Classification Process June 2021. Collection method: clinical testing. Allele origin: germline. Affected: yes.

Breakthrough Genomics
Classification: Benign. Review status: criteria provided, single submitter. Criteria: ACMG Guidelines, 2015. Collection method: not provided. Allele origin: germline. Inheritance: Autosomal dominant inheritance. Affected: yes.

NM_005235.3(ERBB4):c.2867-105T>A

Gene: ERBB4 (erb-b2 receptor tyrosine kinase 4; minus strand). Cytogenetic location: 2q34.
Variant type: single nucleotide variant.
Coding change: c.2867-105T>A on transcript NM_005235.3 (MANE Select); 105 bases into the intron before coding-DNA position 2867, T replaced by A.
Molecular consequence: intron variant.
Genome position (GRCh38, 1-based): chr2:211,422,209, A>T on the plus strand (T>A on the coding strand, the complement: ERBB4 is on the minus strand). VCF-style: chr2-211422209-A-T. GRCh37 (hg19) VCF-style: chr2-212286934-A-T.
Other names: c.2867-105T>A (NM_001042599.2); c.2837-105T>A (NM_001439006.1, NM_001439005.1).
Identifiers: ClinVar variation 1278598 (VCV001278598.4), dbSNP rs3791709, ClinGen allele CA11043833.